The following is an entry in ClinVar:

ClinVar aggregate classification (germline): Uncertain significance (1 of 4 stars; one submission).

gnomAD v4.1: 1 of 1,597,798 alleles (0.000063%); highest among the groups gnomAD compares: Non-Finnish European, 0.000085%; no homozygotes.

Submission:

GeneDx
Classification: Uncertain significance. Last evaluated: 2019-08-23. Review status: criteria provided, single submitter. Criteria: GeneDx Variant Classification Process June 2021. Collection method: clinical testing. Allele origin: germline. Affected: yes.
Comment: Has not been previously published as pathogenic or benign to our knowledge; Not observed in large population cohorts (Lek et al., 2016); In silico analysis, which includes protein predictors and evolutionary conservation, supports a deleterious effect

NM_000479.5(AMH):c.1565G>C (p.Arg522Pro)

Gene: AMH (anti-Mullerian hormone; plus strand). Cytogenetic location: 19p13.3.
Variant type: single nucleotide variant.
Coding change: c.1565G>C on transcript NM_000479.5 (MANE Select); coding-DNA position 1565, G replaced by C.
Protein change: p.Arg522Pro; replaces arginine 522 with proline.
Molecular consequence: missense variant.
Genome position (GRCh38, 1-based): chr19:2,251,839, G>C. VCF-style: chr19-2251839-G-C. GRCh37 (hg19) VCF-style: chr19-2251838-G-C.
Other names: short protein forms R522P.
Identifiers: ClinVar variation 1307724 (VCV001307724.2), dbSNP rs1313085006, ClinGen allele CA403243501.